The following is an entry in ClinVar:

NM_001430.5(EPAS1):c.1585C>G (p.Leu529Val)

Gene: EPAS1 (endothelial PAS domain protein 1; plus strand). Cytogenetic location: 2p21.
Variant type: single nucleotide variant.
Coding change: c.1585C>G on transcript NM_001430.5 (MANE Select); coding-DNA position 1585, C replaced by G.
Protein change: p.Leu529Val; replaces leucine 529 with valine.
Molecular consequence: missense variant.
Genome position (GRCh38, 1-based): chr2:46,380,257, C>G. VCF-style: chr2-46380257-C-G. GRCh37 (hg19) VCF-style: chr2-46607396-C-G.
Other names: short protein forms L529V.
Identifiers: ClinVar variation 2565051 (VCV002565051.2), dbSNP rs748409386, ClinGen allele CA346704442.

ClinVar aggregate classification (germline): Uncertain significance (1 of 4 stars; one submission).

Conditions:
Inborn genetic diseases. Identifiers: MedGen C0950123, MeSH D030342.

Submission:

Ambry Genetics
Classification: Uncertain significance for Inborn genetic diseases. Last evaluated: 2023-04-07. Review status: criteria provided, single submitter. Criteria: Ambry Variant Classification Scheme 2023. Collection method: clinical testing. Allele origin: germline.
Comment: The p.L529V variant (also known as c.1585C>G), located in coding exon 12 of the EPAS1 gene, results from a C to G substitution at nucleotide position 1585. The leucine at codon 529 is replaced by valine, an amino acid with highly similar properties. This amino acid position is conserved. In addition, the in silico prediction for this alteration is inconclusive. Since supporting evidence is limited at this time, the clinical significance of this alteration remains unclear.